The following is an entry in ClinVar:

ClinVar aggregate classification (germline): Uncertain significance (1 of 4 stars; one submission).

Allele frequency attached by ClinVar (database versions not stated): gnomAD exomes below 0.00001.
gnomAD v4.1: 1 of 1,614,088 alleles (0.000062%); highest among the groups gnomAD compares: Admixed American, 0.0017%; no homozygotes.

Submission:

Labcorp Genetics (formerly Invitae), Labcorp
Classification: Uncertain significance. Last evaluated: 2022-03-29. Review status: criteria provided, single submitter. Criteria: Invitae Variant Classification Sherloc (09022015). Collection method: clinical testing. Allele origin: germline.
Comment: This sequence change replaces lysine, which is basic and polar, with arginine, which is basic and polar, at codon 127 of the HMCN1 protein (p.Lys127Arg). This variant is not present in population databases (gnomAD no frequency). This variant has not been reported in the literature in individuals affected with HMCN1-related conditions. Algorithms developed to predict the effect of missense changes on protein structure and function are either unavailable or do not agree on the potential impact of this missense change (SIFT: "Deleterious"; PolyPhen-2: "Possibly Damaging"; Align-GVGD: "Class C0"). In summary, the available evidence is currently insufficient to determine the role of this variant in disease. Therefore, it has been classified as a Variant of Uncertain Significance.

NM_031935.3(HMCN1):c.380A>G (p.Lys127Arg)

Gene: HMCN1 (hemicentin 1; plus strand). Cytogenetic location: 1q31.1.
Variant type: single nucleotide variant.
Coding change: c.380A>G on transcript NM_031935.3 (MANE Select); coding-DNA position 380, A replaced by G.
Protein change: p.Lys127Arg; replaces lysine 127 with arginine.
Molecular consequence: missense variant.
Genome position (GRCh38, 1-based): chr1:185,864,510, A>G. VCF-style: chr1-185864510-A-G. GRCh37 (hg19) VCF-style: chr1-185833642-A-G.
Other names: short protein forms K127R.
Identifiers: ClinVar variation 1994602 (VCV001994602.4), dbSNP rs2526858563, ClinGen allele CA343865862.
Genomic context (GRCh38, chr1:185,864,510, plus strand): 5'-TTTTTCTCTCCACTCAACAGGGTGGTGGTGATTGCCCAGAAATGAGTATTGGAGCTATAA[A>G]AATTGCCTTGGAAATTTCTCTTCCTGGTTCTTTCATCTATGTTTTCACTGATGCTCGGTC-3'
Protein context (NP_114141.2, residues 117-137): DCPEMSIGAI[Lys127Arg]IALEISLPGS